The following is an entry in ClinVar:

ClinVar aggregate classification (germline): Uncertain significance (1 of 4 stars; one submission).

Submission:

GeneDx
Classification: Uncertain significance. Last evaluated: 2026-04-13. Review status: criteria provided, single submitter. Criteria: GeneDx Variant Classification Process June 2021. Collection method: clinical testing. Allele origin: germline.
Comment: Not observed at significant frequency in large population cohorts (gnomAD); In silico analysis suggests that this missense variant does not alter protein structure/function; Has not been previously published as pathogenic or benign to our knowledge

NM_001170629.2(CHD8):c.5947C>T (p.Pro1983Ser)

Gene: CHD8 (chromodomain helicase DNA binding protein 8; minus strand). Cytogenetic location: 14q11.2.
Variant type: single nucleotide variant.
Coding change: c.5947C>T on transcript NM_001170629.2 (MANE Select); coding-DNA position 5947, C replaced by T.
Protein change: p.Pro1983Ser; replaces proline 1983 with serine.
Molecular consequence: missense variant.
Genome position (GRCh38, 1-based): chr14:21,393,848, G>A on the plus strand (C>T on the coding strand, the complement: CHD8 is on the minus strand). VCF-style: chr14-21393848-G-A. GRCh37 (hg19) VCF-style: chr14-21862007-G-A.
Other names: c.5110C>T, p.Pro1704Ser (NM_020920.4); short protein forms P1704S, P1983S.
Identifiers: ClinVar variation 5037033 (VCV005037033.1).